The following is an entry in ClinVar:

NM_016034.5(MRPS2):c.570G>A (p.Pro190=)

Genes: MRPS2 (mitochondrial ribosomal protein S2; plus strand), LOC101928525 (uncharacterized LOC101928525; minus strand). Cytogenetic location: 9q34.3.
Variant type: single nucleotide variant.
Coding change: c.570G>A on transcript NM_016034.5 (MANE Select); coding-DNA position 570, G replaced by A.
Protein change: p.Pro190=; no amino-acid change (proline 190 retained).
Molecular consequence: synonymous variant. On other transcripts: non-coding transcript variant (4).
Genome position (GRCh38, 1-based): chr9:135,503,812, G>A. VCF-style: chr9-135503812-G-A. GRCh37 (hg19) VCF-style: chr9-138395658-G-A.
Other names: c.570G>A, p.Pro190= (NM_001371401.1); c.570G>A (NM_016034.4).
Identifiers: ClinVar variation 1600054 (VCV001600054.12), dbSNP rs146754926, ClinGen allele CA5323982.
Genomic context (GRCh38, chr9:135,503,812, plus strand): 5'-CTTCAGGGGCGGCATGCTGACCAACGCGCGCCTCCTCTTTGGCCCCACGGTCCGCCTGCC[G>A]GACCTCATCATCTTCCTGCACACGCTCAACAACATCTTTGAGCCACACGTGGCCGTGAGA-3'
Protein context (NP_057118.1, residues 180-200): RLLFGPTVRL[Pro190=]DLIIFLHTLN

ClinVar aggregate classification (germline): Benign/Likely benign. Review status: criteria provided, multiple submitters, no conflicts (2 of 4 stars). 4 submissions from 4 submitters: Benign (2); Likely benign (1). 1 of the submissions does not count toward it. Last evaluated 2025-03-27.

Conditions:
MRPS2-related disorder. Also called: MRPS2-related condition.

Allele frequency attached by ClinVar (database versions not stated): TOPMed 0.00046; gnomAD 0.00047 and 0.00051; ExAC 0.00051; gnomAD exomes 0.00051; ESP Exome Variant Server 0.00054.

Submissions (4):

Labcorp Genetics (formerly Invitae), Labcorp
Classification: Benign. Last evaluated: 2025-03-27. Review status: criteria provided, single submitter. Criteria: Invitae Variant Classification Sherloc (09022015). Collection method: clinical testing. Allele origin: germline.

Laboratory of Genetics, Children's Clinical University Hospital Latvia
Classification: Likely benign. Last evaluated: 2025-02-16. Review status: criteria provided, single submitter. Criteria: ACMG Guidelines, 2015. Collection method: clinical testing. Allele origin: germline. Affected: yes.

Breakthrough Genomics
Classification: Benign. Review status: criteria provided, single submitter. Criteria: ACMG Guidelines, 2015. Collection method: not provided. Allele origin: germline. Inheritance: Autosomal recessive inheritance. Affected: yes.

PreventionGenetics, part of Exact Sciences
Classification: Likely benign for MRPS2-related condition. Last evaluated: 2023-03-27. Review status: no assertion criteria provided. Collection method: clinical testing. Allele origin: germline. Not counted in ClinVar's aggregate classification.
Comment: This variant is classified as likely benign based on ACMG/AMP sequence variant interpretation guidelines (Richards et al. 2015 PMID: 25741868, with internal and published modifications).